The following is an entry in ClinVar:

NM_020831.6(MRTFA):c.2140G>C (p.Val714Leu)

Gene: MRTFA (myocardin related transcription factor A; minus strand). Cytogenetic location: 22q13.1.
Variant type: single nucleotide variant.
Coding change: c.2140G>C on transcript NM_020831.6 (MANE Select); coding-DNA position 2140, G replaced by C.
Protein change: p.Val714Leu; replaces valine 714 with leucine.
Molecular consequence: missense variant.
Genome position (GRCh38, 1-based): chr22:40,418,598, C>G on the plus strand (G>C on the coding strand, the complement: MRTFA is on the minus strand). VCF-style: chr22-40418598-C-G. GRCh37 (hg19) VCF-style: chr22-40814602-C-G.
Other names: c.1840G>C, p.Val614Leu (NM_001282660.2); c.1990G>C, p.Val664Leu (NM_001282661.3); c.2140G>C, p.Val714Leu (NM_001282662.3); c.1945G>C, p.Val649Leu (NM_001318139.2); short protein forms V614L, V649L, V664L, V714L.
Identifiers: ClinVar variation 3694476 (VCV003694476.2).

ClinVar aggregate classification (germline): Uncertain significance (1 of 4 stars; one submission).

gnomAD v4.1: 4 of 1,545,604 alleles (0.00026%); highest among the groups gnomAD compares: Non-Finnish European, 0.00035%; no homozygotes.

Submission:

Labcorp Genetics (formerly Invitae), Labcorp
Classification: Uncertain significance. Last evaluated: 2025-05-26. Review status: criteria provided, single submitter. Criteria: Invitae Variant Classification Sherloc (09022015). Collection method: clinical testing. Allele origin: germline.
Comment: This sequence change replaces valine, which is neutral and non-polar, with leucine, which is neutral and non-polar, at codon 614 of the MKL1 protein (p.Val614Leu). This variant is not present in population databases (gnomAD no frequency). This variant has not been reported in the literature in individuals affected with MKL1-related conditions. ClinVar contains an entry for this variant (Variation ID: 3694476). An algorithm developed to predict the effect of missense changes on protein structure and function outputs the following: PolyPhen-2: "Benign". The leucine amino acid residue is found in multiple mammalian species, which suggests that this missense change does not adversely affect protein function. In summary, the available evidence is currently insufficient to determine the role of this variant in disease. Therefore, it has been classified as a Variant of Uncertain Significance.